The following is an entry in ClinVar:

NM_000256.3(MYBPC3):c.1933C>T (p.Pro645Ser)

Gene: MYBPC3 (myosin binding protein C3; minus strand). Cytogenetic location: 11p11.2.
Variant type: single nucleotide variant.
Coding change: c.1933C>T on transcript NM_000256.3 (MANE Select); coding-DNA position 1933, C replaced by T.
Protein change: p.Pro645Ser; replaces proline 645 with serine.
Molecular consequence: missense variant.
Genome position (GRCh38, 1-based): chr11:47,339,785, G>A on the plus strand (C>T on the coding strand, the complement: MYBPC3 is on the minus strand). VCF-style: chr11-47339785-G-A. GRCh37 (hg19) VCF-style: chr11-47361336-G-A.
Other names: short protein forms P645S.
Identifiers: ClinVar variation 2773727 (VCV002773727.2), dbSNP rs2095886531, ClinGen allele CA380322058.

ClinVar aggregate classification (germline): Uncertain significance (1 of 4 stars; one submission).

Conditions:
Cardiomyopathy (CMYO). Also called: Cardiomyopathies. Identifiers: Orphanet 167848, MedGen C0878544, MONDO:0004994, HP:0001638. Inheritance: Various modes of inheritance.

Allele frequency attached by ClinVar (database versions not stated): gnomAD exomes below 0.00001; gnomAD 0.00001.
gnomAD v4.1: 5 of 1,613,358 alleles (0.00031%); highest among the groups gnomAD compares: Admixed American, 0.0083%; no homozygotes.

Submission:

Color Diagnostics, LLC DBA Color Health
Classification: Uncertain significance for Cardiomyopathy. Last evaluated: 2024-03-07. Review status: criteria provided, single submitter. Criteria: ACMG Guidelines, 2015. Collection method: clinical testing. Allele origin: germline.
Comment: This missense variant replaces proline with serine at codon 645 of the MYBPC3 protein. Computational prediction suggests that this variant may not impact protein structure and function (internally defined REVEL score threshold <= 0.5, PMID: 27666373). To our knowledge, functional studies have not been reported for this variant. This variant has not been reported in individuals affected with cardiovascular disorders in the literature. This variant has not been identified in the general population by the Genome Aggregation Database (gnomAD). The available evidence is insufficient to determine the role of this variant in disease conclusively. Therefore, this variant is classified as a Variant of Uncertain Significance.